The following is an entry in ClinVar:

NM_000540.3(RYR1):c.2361-1G>C

Gene: RYR1 (ryanodine receptor 1; plus strand). Cytogenetic location: 19q13.2.
Variant type: single nucleotide variant.
Coding change: c.2361-1G>C on transcript NM_000540.3 (MANE Select); the canonical splice acceptor site of the intron before coding-DNA position 2361, G replaced by C.
Molecular consequence: splice acceptor variant.
Genome position (GRCh38, 1-based): chr19:38,460,374, G>C. VCF-style: chr19-38460374-G-C. GRCh37 (hg19) VCF-style: chr19-38951014-G-C.
Other names: c.2361-1G>C (NM_001042723.2).
Identifiers: ClinVar variation 424225 (VCV000424225.2), dbSNP rs113379223, ClinGen allele CA16620827.

ClinVar aggregate classification (germline): Likely pathogenic (1 of 4 stars; one submission).

Submission:

GeneDx
Classification: Likely pathogenic. Last evaluated: 2017-03-08. Review status: criteria provided, single submitter. Criteria: GeneDx Variant Classification (06012015). Collection method: clinical testing. Allele origin: germline. Affected: yes.
Comment: The c.2361-1G>C variant in the RYR1 gene has not been reported previously as a pathogenic variant, nor as a benign variant, to our knowledge. This splice site variant destroys the canonical splice acceptor site in intron 19. It is predicted to cause abnormal gene splicing, either leading to an abnormal message that is subject to nonsense-mediated mRNA decay, or to an abnormal protein product if the message is used for protein translation. The c.2361-1G>C variant is not observed in large population cohorts (Lek et al., 2016; 1000 Genomes Consortium et al., 2015; Exome Variant Server). Therefore, we interpret c.2361-1G>C as a likely pathogenic variant.